The following is an entry in ClinVar:

NM_006231.4(POLE):c.6533A>G (p.Asp2178Gly)

Gene: POLE (DNA polymerase epsilon, catalytic subunit; minus strand). Cytogenetic location: 12q24.33.
Variant type: single nucleotide variant.
Coding change: c.6533A>G on transcript NM_006231.4 (MANE Select); coding-DNA position 6533, A replaced by G.
Protein change: p.Asp2178Gly; replaces aspartic acid 2178 with glycine.
Molecular consequence: missense variant.
Genome position (GRCh38, 1-based): chr12:132,625,769, T>C on the plus strand (A>G on the coding strand, the complement: POLE is on the minus strand). VCF-style: chr12-132625769-T-C. GRCh37 (hg19) VCF-style: chr12-133202355-T-C.
Other names: short protein forms D2178G.
Identifiers: ClinVar variation 1305428 (VCV001305428.9), dbSNP rs2138428717, ClinGen allele CA387366977.

ClinVar aggregate classification (germline): Uncertain significance. Review status: criteria provided, multiple submitters, no conflicts (2 of 4 stars). 2 submissions from 2 submitters: Uncertain significance (2). Last evaluated 2025-06-29.

Submissions (2):

Labcorp Genetics (formerly Invitae), Labcorp
Classification: Uncertain significance. Last evaluated: 2025-06-29. Review status: criteria provided, single submitter. Criteria: Invitae Variant Classification Sherloc (09022015). Collection method: clinical testing. Allele origin: germline.
Comment: This sequence change replaces aspartic acid, which is acidic and polar, with glycine, which is neutral and non-polar, at codon 2178 of the POLE protein (p.Asp2178Gly). This variant is not present in population databases (gnomAD no frequency). This variant has not been reported in the literature in individuals affected with POLE-related conditions. ClinVar contains an entry for this variant (Variation ID: 1305428). An algorithm developed to predict the effect of missense changes on protein structure and function (PolyPhen-2) suggests that this variant is likely to be tolerated. In summary, the available evidence is currently insufficient to determine the role of this variant in disease. Therefore, it has been classified as a Variant of Uncertain Significance.

GeneDx
Classification: Uncertain significance. Last evaluated: 2019-04-19. Review status: criteria provided, single submitter. Criteria: GeneDx Variant Classification Process June 2021. Collection method: clinical testing. Allele origin: germline. Affected: yes.
Comment: Not observed in large population cohorts (Lek et al., 2016); Has not been previously published as pathogenic or benign to our knowledge